The following is an entry in ClinVar:

ClinVar aggregate classification (germline): Uncertain significance. Review status: criteria provided, multiple submitters, no conflicts (2 of 4 stars). 2 submissions from 2 submitters: Uncertain significance (2). Last evaluated 2022-08-13.

Conditions:
Cranioectodermal dysplasia 1 (CED1). Also called: LEVIN SYNDROME I. Identifiers: Orphanet 1515, MedGen C0432235, MONDO:0021093, OMIM 218330.

Allele frequency attached by ClinVar (database versions not stated): gnomAD exomes below 0.00001; ExAC 0.00001; gnomAD 0.00003; TOPMed 0.00003.
gnomAD v4.1: 15 of 1,610,922 alleles (0.00093%); highest among the groups gnomAD compares: Non-Finnish European, 0.0013%; no homozygotes.

Submissions (2):

Labcorp Genetics (formerly Invitae), Labcorp
Classification: Uncertain significance for Cranioectodermal dysplasia 1. Last evaluated: 2022-08-13. Review status: criteria provided, single submitter. Criteria: Invitae Variant Classification Sherloc (09022015). Collection method: clinical testing. Allele origin: germline.
Comment: In summary, the available evidence is currently insufficient to determine the role of this variant in disease. Therefore, it has been classified as a Variant of Uncertain Significance. Algorithms developed to predict the effect of missense changes on protein structure and function are either unavailable or do not agree on the potential impact of this missense change (SIFT: "Deleterious"; PolyPhen-2: "Probably Damaging"; Align-GVGD: "Class C15"). ClinVar contains an entry for this variant (Variation ID: 1374933). This variant has not been reported in the literature in individuals affected with IFT122-related conditions. This variant is present in population databases (rs751262275, gnomAD 0.002%). This sequence change replaces phenylalanine, which is neutral and non-polar, with leucine, which is neutral and non-polar, at codon 1265 of the IFT122 protein (p.Phe1265Leu).

Fulgent Genetics
Classification: Uncertain significance for Cranioectodermal dysplasia 1. Last evaluated: 2021-11-16. Review status: criteria provided, single submitter. Criteria: ACMG Guidelines, 2015. Collection method: clinical testing. Allele origin: unknown.

NM_052989.3(IFT122):c.3642C>G (p.Phe1214Leu)

Gene: IFT122 (intraflagellar transport 122; plus strand). Cytogenetic location: 3q22.1.
Variant type: single nucleotide variant.
Coding change: c.3642C>G on transcript NM_052989.3 (MANE Select); coding-DNA position 3642, C replaced by G.
Protein change: p.Phe1214Leu; replaces phenylalanine 1214 with leucine.
Molecular consequence: missense variant.
Genome position (GRCh38, 1-based): chr3:129,520,181, C>G. VCF-style: chr3-129520181-C-G. GRCh37 (hg19) VCF-style: chr3-129239024-C-G.
Other names: c.3621C>G, p.Phe1207Leu (NM_001280541.2); c.3192C>G, p.Phe1064Leu (NM_001280545.2); c.3015C>G, p.Phe1005Leu (NM_001280546.2); c.3465C>G, p.Phe1155Leu (NM_018262.4); c.3795C>G, p.Phe1265Leu (NM_052985.4); c.3312C>G, p.Phe1104Leu (NM_052990.3); short protein forms F1104L, F1207L, F1265L, F1064L, F1214L, F1005L, F1155L.
Identifiers: ClinVar variation 1374933 (VCV001374933.7), dbSNP rs751262275, ClinGen allele CA2607003.